The following is an entry in ClinVar:

NM_000051.4(ATM):c.4943T>C (p.Val1648Ala)

Gene: ATM (ATM serine/threonine kinase; plus strand). Cytogenetic location: 11q22.3.
Variant type: single nucleotide variant.
Coding change: c.4943T>C on transcript NM_000051.4 (MANE Select); coding-DNA position 4943, T replaced by C.
Protein change: p.Val1648Ala; replaces valine 1648 with alanine.
Molecular consequence: missense variant.
Genome position (GRCh38, 1-based): chr11:108,297,320, T>C. VCF-style: chr11-108297320-T-C. GRCh37 (hg19) VCF-style: chr11-108168047-T-C.
Other names: c.4943T>C, p.Val1648Ala (NM_001351834.2); short protein forms V1648A.
Identifiers: ClinVar variation 574437 (VCV000574437.10), dbSNP rs997081415, ClinGen allele CA228384043.

ClinVar aggregate classification (germline): Uncertain significance. Review status: criteria provided, multiple submitters, no conflicts (2 of 4 stars). 3 submissions from 3 submitters: Uncertain significance (2). 1 of the submissions does not count toward it. Last evaluated 2025-05-04.

Conditions:
Ataxia-telangiectasia syndrome (AT). Also called: AT, COMPLEMENTATION GROUP C; Cerebello-oculocutaneous telangiectasia; Immunodeficiency with ataxia telangiectasia; Ataxia-telangiectasia, complementation group D; ATAXIA-TELANGIECTASIA, FRESNO VARIANT; Ataxia-telangiectasia, complementation group E. Identifiers: Orphanet 100, MedGen C0004135, MONDO:0008840, OMIM 208900.

Allele frequency attached by ClinVar (database versions not stated): TOPMed below 0.00001.

Submissions (3):

Labcorp Genetics (formerly Invitae), Labcorp
Classification: Uncertain significance for Ataxia-telangiectasia syndrome. Last evaluated: 2025-05-04. Review status: criteria provided, single submitter. Criteria: Invitae Variant Classification Sherloc (09022015). Collection method: clinical testing. Allele origin: germline.
Comment: This sequence change replaces valine, which is neutral and non-polar, with alanine, which is neutral and non-polar, at codon 1648 of the ATM protein (p.Val1648Ala). This variant is not present in population databases (gnomAD no frequency). This variant has not been reported in the literature in individuals affected with ATM-related conditions. ClinVar contains an entry for this variant (Variation ID: 574437). Invitae Evidence Modeling of protein sequence and biophysical properties (such as structural, functional, and spatial information, amino acid conservation, physicochemical variation, residue mobility, and thermodynamic stability) indicates that this missense variant is not expected to disrupt ATM protein function with a negative predictive value of 95%. RNA analysis performed to evaluate the impact of this missense change on mRNA splicing indicates it does not significantly alter splicing (internal data). In summary, the available evidence is currently insufficient to determine the role of this variant in disease. Therefore, it has been classified as a Variant of Uncertain Significance.

Women's Health and Genetics/Laboratory Corporation of America, LabCorp
Classification: Uncertain significance. Last evaluated: 2021-10-02. Review status: criteria provided, single submitter. Criteria: LabCorp Variant Classification Summary - May 2015. Collection method: clinical testing. Allele origin: germline.

Natera, Inc.
Classification: Uncertain significance for Ataxia-telangiectasia. Last evaluated: 2025-05-05. Review status: no assertion criteria provided. Collection method: clinical testing. Allele origin: germline. Not counted in ClinVar's aggregate classification.